The following is an entry in ClinVar:

NM_020433.5(JPH2):c.1903G>C (p.Ala635Pro)

Gene: JPH2 (junctophilin 2; minus strand). Cytogenetic location: 20q13.12.
Variant type: single nucleotide variant.
Coding change: c.1903G>C on transcript NM_020433.5 (MANE Select); coding-DNA position 1903, G replaced by C.
Protein change: p.Ala635Pro; replaces alanine 635 with proline.
Molecular consequence: missense variant.
Genome position (GRCh38, 1-based): chr20:44,115,772, C>G on the plus strand (G>C on the coding strand, the complement: JPH2 is on the minus strand). VCF-style: chr20-44115772-C-G. GRCh37 (hg19) VCF-style: chr20-42744412-C-G.
Other names: short protein forms A635P.
Identifiers: ClinVar variation 1315388 (VCV001315388.10), dbSNP rs1409841420, ClinGen allele CA409099708.
Genomic context (GRCh38, chr20:44,115,772, plus strand): 5'-GCGCCTTCTTCTTGGCCCCCGCCTTGGTCAGCCCTCGAGCCTCAGTCTTGCGGGCCTTGG[C>G]CCTGGGCTCGGCTTTGGGGATGATGGGCTTGGGCTCCAGCTTGGCGGGGGTCTCGCGTGC-3'
Protein context (NP_065166.2, residues 625-645): KPIIPKAEPR[Ala635Pro]KARKTEARGL

ClinVar aggregate classification (germline): Conflicting classifications of pathogenicity. Review status: criteria provided, conflicting classifications (1 of 4 stars). 5 submissions from 5 submitters: Uncertain significance (4); Likely benign (1). Last evaluated 2025-04-09.

Conditions:
Hypertrophic cardiomyopathy. Also called: HYPERTROPHIC MYOCARDIOPATHY. Identifiers: Orphanet 217569, MedGen C0007194, MeSH D002312, MONDO:0005045, HP:0001639.
Cardiovascular phenotype. Identifiers: MedGen CN230736.

Allele frequency attached by ClinVar (database versions not stated): gnomAD exomes below 0.00001 and 0.00001; TOPMed below 0.00001.
gnomAD v4.1: 3 of 1,611,774 alleles (0.00019%); highest among the groups gnomAD compares: Non-Finnish European, 0.00025%; no homozygotes.

Submissions (5):

Molecular Diagnostic Laboratory for Inherited Cardiovascular Disease, Montreal Heart Institute
Classification: Uncertain significance for Cardiovascular phenotype. Last evaluated: 2025-04-09. Review status: criteria provided, single submitter. Criteria: ACMG Guidelines, 2015. Collection method: clinical testing. Allele origin: germline. Affected: yes.

Blueprint Genetics
Classification: Likely benign. Last evaluated: 2024-06-13. Review status: criteria provided, single submitter. Criteria: ACMG Guidelines, 2015. Collection method: clinical testing. Allele origin: germline.

Ambry Genetics
Classification: Uncertain significance for Cardiovascular phenotype. Last evaluated: 2023-01-28. Review status: criteria provided, single submitter. Criteria: Ambry Variant Classification Scheme 2023. Collection method: clinical testing. Allele origin: germline.
Comment: The p.A635P variant (also known as c.1903G>C), located in coding exon 4 of the JPH2 gene, results from a G to C substitution at nucleotide position 1903. The alanine at codon 635 is replaced by proline, an amino acid with highly similar properties. This amino acid position is conserved. In addition, this alteration is predicted to be tolerated by in silico analysis. Since supporting evidence is limited at this time, the clinical significance of this alteration remains unclear.

Labcorp Genetics (formerly Invitae), Labcorp
Classification: Uncertain significance for Hypertrophic cardiomyopathy. Last evaluated: 2022-11-20. Review status: criteria provided, single submitter. Criteria: Invitae Variant Classification Sherloc (09022015). Collection method: clinical testing. Allele origin: germline.
Comment: This variant is present in population databases (no rsID available, gnomAD 0.0009%). In summary, the available evidence is currently insufficient to determine the role of this variant in disease. Therefore, it has been classified as a Variant of Uncertain Significance. Algorithms developed to predict the effect of missense changes on protein structure and function output the following: SIFT: "Tolerated"; PolyPhen-2: "Benign"; Align-GVGD: "Class C0". The proline amino acid residue is found in multiple mammalian species, which suggests that this missense change does not adversely affect protein function. ClinVar contains an entry for this variant (Variation ID: 1315388). This variant has not been reported in the literature in individuals affected with JPH2-related conditions. This sequence change replaces alanine, which is neutral and non-polar, with proline, which is neutral and non-polar, at codon 635 of the JPH2 protein (p.Ala635Pro).

GeneDx
Classification: Uncertain significance. Last evaluated: 2020-02-10. Review status: criteria provided, single submitter. Criteria: GeneDx Variant Classification Process June 2021. Collection method: clinical testing. Allele origin: germline. Affected: yes.
Comment: Has not been previously published as pathogenic or benign to our knowledge; Not observed at a significant frequency in large population cohorts (Lek et al., 2016); In silico analysis supports that this missense variant does not alter protein structure/function